The following is an entry in ClinVar:

ClinVar aggregate classification (germline): Pathogenic (1 of 4 stars; one submission).

Conditions:
Neuromuscular disease caused by qualitative or quantitative defects of dystrophin. Also called: Qualitative or quantitative defects of dystrophin. Identifiers: Orphanet 207085, MedGen C5679787, MONDO:0016147.

Submission:

Women's Health and Genetics/Laboratory Corporation of America, LabCorp
Classification: Pathogenic for Neuromuscular disease caused by qualitative or quantitative defects of dystrophin. Last evaluated: 2021-04-08. Review status: criteria provided, single submitter. Criteria: LabCorp Variant Classification Summary - May 2015. Collection method: clinical testing. Allele origin: germline.
Comment: Variant summary: The variant identified by MLPA or other technology involves the deletion of exon 52 in the DMD gene. A presumed nomenclature of c.(7542+1_7543-1)_(7660+1_7661-1)del has been designated for the purposes of this classification. Although exact breakpoints of this deletion are not known, it is expected to result in a frameshift in the DMD gene, a known mechanism of disease. The variant was absent in 16120 control chromosomes (gnomAD, structural variants dataset). The variant, c.(7542+1_7543-1)_(7660+1_7661-1)del, has been reported in the literature in numerous individuals affected with Duchenne Muscular Dystrophy (DMD) (see e.g. Tuffery-Giraud_2009, Flanigan_2009, Deepha_2017, de Almeida_2017). These data indicate that the variant is very likely to be associated with disease. To our knowledge, no experimental evidence demonstrating an impact on protein function has been reported. One clinical diagnostic laboratory has submitted clinical-significance assessments for this variant to ClinVar after 2014, and classified the variant as pathogenic. Based on the evidence outlined above, the variant was classified as pathogenic.

Literature cited by the submitters: PubMed 19367636; PubMed 19937601; PubMed 28610567; PubMed 28116794.

NC_000023.10:g.(31697704_31747747)_(31747866_31792076)del

Gene: DMD (dystrophin; minus strand). Cytogenetic location: Xp21.1.
Variant type: Deletion.
Identifiers: ClinVar variation 1065130 (VCV001065130.1).